The following is an entry in ClinVar:

ClinVar aggregate classification (germline): Conflicting classifications of pathogenicity. Review status: criteria provided, conflicting classifications (1 of 4 stars). 2 submissions from 2 submitters: Uncertain significance (1); Likely benign (1). Last evaluated 2024-03-26.

Allele frequency attached by ClinVar (database versions not stated): TOPMed 0.00001.

Submissions (2):

Ambry Genetics
Classification: Likely benign. Last evaluated: 2024-03-26. Review status: criteria provided, single submitter. Criteria: Ambry Variant Classification Scheme 2023. Collection method: clinical testing. Allele origin: germline.

Labcorp Genetics (formerly Invitae), Labcorp
Classification: Uncertain significance. Last evaluated: 2022-08-16. Review status: criteria provided, single submitter. Criteria: Invitae Variant Classification Sherloc (09022015). Collection method: clinical testing. Allele origin: germline.
Comment: In summary, the available evidence is currently insufficient to determine the role of this variant in disease. Therefore, it has been classified as a Variant of Uncertain Significance. Algorithms developed to predict the effect of missense changes on protein structure and function output the following: SIFT: "Tolerated"; PolyPhen-2: "Not Available"; Align-GVGD: "Class C0". The leucine amino acid residue is found in multiple mammalian species, which suggests that this missense change does not adversely affect protein function. ClinVar contains an entry for this variant (Variation ID: 1034714). This variant has not been reported in the literature in individuals affected with GALNT12-related conditions. The frequency data for this variant in the population databases is considered unreliable, as metrics indicate insufficient coverage at this position in the gnomAD database. This sequence change replaces proline, which is neutral and non-polar, with leucine, which is neutral and non-polar, at codon 53 of the GALNT12 protein (p.Pro53Leu).

NM_024642.5(GALNT12):c.158C>T (p.Pro53Leu)

Gene: GALNT12 (polypeptide N-acetylgalactosaminyltransferase 12; plus strand). Cytogenetic location: 9q22.33.
Variant type: single nucleotide variant.
Coding change: c.158C>T on transcript NM_024642.5 (MANE Select); coding-DNA position 158, C replaced by T.
Protein change: p.Pro53Leu; replaces proline 53 with leucine.
Molecular consequence: missense variant.
Genome position (GRCh38, 1-based): chr9:98,807,856, C>T. VCF-style: chr9-98807856-C-T. GRCh37 (hg19) VCF-style: chr9-101570138-C-T.
Other names: short protein forms P53L.
Identifiers: ClinVar variation 1034714 (VCV001034714.11), dbSNP rs1209537944, ClinGen allele CA374222428.